The following is an entry in ClinVar:

NM_138927.4(SON):c.4903C>A (p.Gln1635Lys)

Gene: SON (SON DNA and RNA binding protein; plus strand). Cytogenetic location: 21q22.11.
Variant type: single nucleotide variant.
Coding change: c.4903C>A on transcript NM_138927.4 (MANE Select); coding-DNA position 4903, C replaced by A.
Protein change: p.Gln1635Lys; replaces glutamine 1635 with lysine.
Molecular consequence: missense variant. On other transcripts: non-coding transcript variant (1), intron variant (1).
Genome position (GRCh38, 1-based): chr21:33,554,134, C>A. VCF-style: chr21-33554134-C-A. GRCh37 (hg19) VCF-style: chr21-34926440-C-A.
Other names: c.4903C>A, p.Gln1635Lys (NM_001291411.2, NM_001412133.1, NM_032195.3 and 2 more transcripts); c.245-3022C>A (NM_001291412.3); short protein forms Q1635K.
Identifiers: ClinVar variation 3015311 (VCV003015311.3), dbSNP rs776126144, ClinGen allele CA10009620.

ClinVar aggregate classification (germline): Uncertain significance (1 of 4 stars; one submission).

Allele frequency attached by ClinVar (database versions not stated): ExAC 0.00002; gnomAD exomes 0.00003.

Submission:

Labcorp Genetics (formerly Invitae), Labcorp
Classification: Uncertain significance. Last evaluated: 2024-09-08. Review status: criteria provided, single submitter. Criteria: Invitae Variant Classification Sherloc (09022015). Collection method: clinical testing. Allele origin: germline.
Comment: This sequence change replaces glutamine, which is neutral and polar, with lysine, which is basic and polar, at codon 1635 of the SON protein (p.Gln1635Lys). This variant is present in population databases (rs776126144, gnomAD 0.008%). This variant has not been reported in the literature in individuals affected with SON-related conditions. An algorithm developed to predict the effect of missense changes on protein structure and function (PolyPhen-2) suggests that this variant is likely to be tolerated. In summary, the available evidence is currently insufficient to determine the role of this variant in disease. Therefore, it has been classified as a Variant of Uncertain Significance.